The following is an entry in ClinVar:

NM_001267550.2(TTN):c.15776-1G>T

Gene: TTN (titin; minus strand). Cytogenetic location: 2q31.2.
Variant type: single nucleotide variant.
Coding change: c.15776-1G>T on transcript NM_001267550.2 (MANE Select); the canonical splice acceptor site of the intron before coding-DNA position 15776, G replaced by T.
Molecular consequence: splice acceptor variant. On other transcripts: intron variant (3).
Genome position (GRCh38, 1-based): chr2:178,733,518, C>A on the plus strand (G>T on the coding strand, the complement: TTN is on the minus strand). VCF-style: chr2-178733518-C-A. GRCh37 (hg19) VCF-style: chr2-179598245-C-A.
Other names: c.15776-1G>T (LRG_391t1); c.13282+4564G>T (NM_003319.4); c.13858+4564G>T (NM_133437.4); c.13657+4564G>T (NM_133432.3); c.12044-1G>T (NM_133378.4); c.14825-1G>T (NM_001256850.1).
Identifiers: ClinVar variation 223255 (VCV000223255.2), dbSNP rs869312094, ClinGen allele CA353053.

ClinVar aggregate classification (germline): Conflicting classifications of pathogenicity. Review status: criteria provided, conflicting classifications (1 of 4 stars). 2 submissions from 2 submitters: Likely pathogenic (1); Uncertain significance (1). Last evaluated 2025-02-12.

Conditions:
Dilated cardiomyopathy 1G (CMD1G). Identifiers: Orphanet 154, MedGen C1858763, MONDO:0011400, OMIM 604145.
Autosomal recessive limb-girdle muscular dystrophy type 2J (LGMDR10). Also called: Limb-girdle muscular dystrophy, type 2J; MUSCULAR DYSTROPHY, LIMB-GIRDLE, AUTOSOMAL RECESSIVE 10. Identifiers: Orphanet 140922, MedGen C1837342, MONDO:0012127, OMIM 608807.
Primary dilated cardiomyopathy (DCM). Also called: Dilated Cardiomyopathy. Identifiers: Orphanet 217604, MedGen C0007193, MeSH D002311, MONDO:0005021, HP:0001644. Inheritance: Various modes of inheritance.

Allele frequency attached by ClinVar (database versions not stated): gnomAD exomes 0.00001; TOPMed 0.00001.
gnomAD v4.1: 11 of 1,608,360 alleles (0.00068%); highest among the groups gnomAD compares: Non-Finnish European, 0.00094%; no homozygotes.

Submissions (2):

Labcorp Genetics (formerly Invitae), Labcorp
Classification: Likely pathogenic for Dilated cardiomyopathy 1G; Autosomal recessive limb-girdle muscular dystrophy type 2J. Last evaluated: 2025-02-12. Review status: criteria provided, single submitter. Criteria: Invitae Variant Classification Sherloc (09022015). Collection method: clinical testing. Allele origin: germline.
Comment: This sequence change affects an acceptor splice site in intron 53 of the TTN gene. It is expected to disrupt RNA splicing. Variants that disrupt the donor or acceptor splice site typically lead to a loss of protein function (PMID: 16199547), and loss-of-function variants in TTN are known to be pathogenic (PMID: 17444505, 22335739, 22577215, 23486992, 23606733, 23975875, 24395473). This variant is not present in population databases (gnomAD no frequency). This variant has not been observed in the literature in individuals with autosomal recessive TTN-related conditions. This variant has been reported in individual(s) with clinical features of TTN-related conditions (PMID: 25589632, 31691645); however, the role of the variant in this condition is currently unclear. ClinVar contains an entry for this variant (Variation ID: 223255). Studies have shown that disruption of this splice site is associated with inconclusive levels of altered splicing (PMID: 32597815). In summary, the currently available evidence indicates that the variant is pathogenic, but additional data are needed to prove that conclusively. Therefore, this variant has been classified as Likely Pathogenic.

Cardiovascular Biomedical Research Unit, Royal Brompton & Harefield NHS Foundation Trust
Classification: Uncertain significance for Primary dilated cardiomyopathy. Last evaluated: 2014-10-08. Review status: criteria provided, single submitter. Criteria: Roberts et al. 2015. Collection method: research. Allele origin: germline. Inheritance: Autosomal dominant inheritance. Affected: no. Observed: 1 variant allele. Study: FHS cohort.
Comment: This TTN truncating variant (TTNtv) was identified in one individual in this cohort and is located in an exon with low levels of cardiac expression. In the seven cohorts assessed, TTNtv were found in 14% of ambulant DCM, 22% end-stage or familial DCM, and 2% controls. Heterozygous nonsense, frameshift and canonical splice-disrupting variants found in constitutive and other highly utilised exons are highly likely to be pathogenic when identified in individuals with phenotypically confirmed DCM. TTNtv found incidentally in healthy individuals (excluding familial assessment of DCM relatives) are thought to have low penetrance, particularly when identified in exons that are not constitutively expressed in the heart.

Literature cited by the submitters: PubMed 16199547 (cited by Labcorp Genetics (formerly Invitae), Labcorp); PubMed 17444505 (cited by Labcorp Genetics (formerly Invitae), Labcorp); PubMed 22335739 (cited by Labcorp Genetics (formerly Invitae), Labcorp); PubMed 22577215 (cited by Labcorp Genetics (formerly Invitae), Labcorp); PubMed 23486992 (cited by Labcorp Genetics (formerly Invitae), Labcorp); PubMed 23606733 (cited by Labcorp Genetics (formerly Invitae), Labcorp); PubMed 23975875 (cited by Labcorp Genetics (formerly Invitae), Labcorp); PubMed 24395473 (cited by Labcorp Genetics (formerly Invitae), Labcorp); PubMed 25589632 (cited by Labcorp Genetics (formerly Invitae), Labcorp); PubMed 31691645 (cited by Labcorp Genetics (formerly Invitae), Labcorp); PubMed 32597815 (cited by Labcorp Genetics (formerly Invitae), Labcorp).